The following is an entry in ClinVar:

ClinVar aggregate classification (germline): Uncertain significance (1 of 4 stars; one submission).

Conditions:
Myofibrillar myopathy 5. Also called: FILAMINOPATHY, AUTOSOMAL DOMINANT; Filaminopathy (type). Identifiers: Orphanet 171445, MedGen C1836050, MONDO:0012289, OMIM 609524.
Distal myopathy with posterior leg and anterior hand involvement. Also called: WILLIAMS DISTAL MYOPATHY. Identifiers: Orphanet 63273, MedGen C3279722, MONDO:0013550, OMIM 614065.
Hypertrophic cardiomyopathy 26. Also called: Cardiomyopathy, familial hypertrophic, 26. Identifiers: Orphanet 75249, MedGen C4310749, MONDO:0014883, OMIM 617047.

Allele frequency attached by ClinVar (database versions not stated): TOPMed below 0.00001.

Submission:

Labcorp Genetics (formerly Invitae), Labcorp
Classification: Uncertain significance for Distal myopathy with posterior leg and anterior hand involvement; Myofibrillar myopathy 5; Hypertrophic cardiomyopathy 26. Last evaluated: 2021-12-15. Review status: criteria provided, single submitter. Criteria: Invitae Variant Classification Sherloc (09022015). Collection method: clinical testing. Allele origin: germline.
Comment: This variant has not been reported in the literature in individuals affected with FLNC-related conditions. In summary, the available evidence is currently insufficient to determine the role of this variant in disease. Therefore, it has been classified as a Variant of Uncertain Significance. Algorithms developed to predict the effect of missense changes on protein structure and function output the following: SIFT: "Deleterious"; PolyPhen-2: "Benign"; Align-GVGD: "Class C0". The leucine amino acid residue is found in multiple mammalian species, which suggests that this missense change does not adversely affect protein function. This variant is not present in population databases (gnomAD no frequency). This sequence change replaces proline, which is neutral and non-polar, with leucine, which is neutral and non-polar, at codon 522 of the FLNC protein (p.Pro522Leu).

NM_001458.5(FLNC):c.1565C>T (p.Pro522Leu)

Gene: FLNC (filamin C; plus strand). Cytogenetic location: 7q32.1.
Variant type: single nucleotide variant.
Coding change: c.1565C>T on transcript NM_001458.5 (MANE Select); coding-DNA position 1565, C replaced by T.
Protein change: p.Pro522Leu; replaces proline 522 with leucine.
Molecular consequence: missense variant.
Genome position (GRCh38, 1-based): chr7:128,840,563, C>T. VCF-style: chr7-128840563-C-T. GRCh37 (hg19) VCF-style: chr7-128480617-C-T.
Other names: c.1565C>T, p.Pro522Leu (NM_001127487.2); short protein forms P522L.
Identifiers: ClinVar variation 2049854 (VCV002049854.4), dbSNP rs1185247194, ClinGen allele CA369226464.